The following is an entry in ClinVar:

ClinVar aggregate classification (germline): Uncertain significance (1 of 4 stars; one submission).

Conditions:
Combined immunodeficiency due to CTPS1 deficiency. Also called: Immunodeficiency 24; Severe combined immunodeficiency due to CTPS1 deficiency. Identifiers: Orphanet 420573, MedGen C4014617, MONDO:0014391, OMIM 615897.

gnomAD v4.1: 11 of 1,613,860 alleles (0.00068%); highest among the groups gnomAD compares: South Asian, 0.0088%; no homozygotes.

Submission:

Labcorp Genetics (formerly Invitae), Labcorp
Classification: Uncertain significance for Combined immunodeficiency due to CTPS1 deficiency. Last evaluated: 2025-12-23. Review status: criteria provided, single submitter. Criteria: Invitae Variant Classification Sherloc (09022015). Collection method: clinical testing. Allele origin: germline.
Comment: This sequence change falls in intron 12 of the CTPS1 gene. It does not directly change the encoded amino acid sequence of the CTPS1 protein. It affects a nucleotide within the consensus splice site. This variant is present in population databases (rs749852432, gnomAD 0.006%). This variant has not been reported in the literature in individuals affected with CTPS1-related conditions. Variants that disrupt the consensus splice site are a relatively common cause of aberrant splicing (PMID: 17576681, 9536098). Algorithms developed to predict the effect of sequence changes on RNA splicing suggest that this variant is not likely to affect RNA splicing. In summary, the available evidence is currently insufficient to determine the role of this variant in disease. Therefore, it has been classified as a Variant of Uncertain Significance.

Literature cited by the submitters: PubMed 17576681; PubMed 9536098.

NM_001905.4(CTPS1):c.1252+6C>T

Gene: CTPS1 (CTP synthase 1; plus strand). Cytogenetic location: 1p34.2.
Variant type: single nucleotide variant.
Coding change: c.1252+6C>T on transcript NM_001905.4 (MANE Select); 6 bases into the intron after coding-DNA position 1252, C replaced by T.
Molecular consequence: intron variant.
Genome position (GRCh38, 1-based): chr1:41,003,182, C>T. VCF-style: chr1-41003182-C-T. GRCh37 (hg19) VCF-style: chr1-41468854-C-T.
Other names: c.784+6C>T (NM_001301237.2).
Identifiers: ClinVar variation 4750465 (VCV004750465.1).